The following is an entry in ClinVar:

ClinVar aggregate classification (germline): Conflicting classifications of pathogenicity. Review status: criteria provided, conflicting classifications (1 of 4 stars). 3 submissions from 3 submitters: Uncertain significance (1); Likely benign (2). Last evaluated 2025-06-12.

Conditions:
FREM1-related disorder. Also called: FREM1-Related Disorders; FREM1-related condition.

Allele frequency attached by ClinVar (database versions not stated): gnomAD exomes 0.00009 and 0.00020; ExAC 0.00022; 1000 Genomes Project 0.00060; 1000 Genomes Project 30x 0.00062; TOPMed 0.00080; gnomAD 0.00083 and 0.00089; ESP Exome Variant Server 0.00104.
gnomAD v4.1: 259 of 1,613,950 alleles (0.016%); highest among the groups gnomAD compares: African/African-American, 0.26%; no homozygotes.

Submissions (3):

Labcorp Genetics (formerly Invitae), Labcorp
Classification: Likely benign. Last evaluated: 2025-06-12. Review status: criteria provided, single submitter. Criteria: Invitae Variant Classification Sherloc (09022015). Collection method: clinical testing. Allele origin: germline.

PreventionGenetics, part of Exact Sciences
Classification: Likely benign for FREM1-related condition. Last evaluated: 2024-11-25. Review status: criteria provided, single submitter. Criteria: ACMG Guidelines, 2015. Collection method: clinical testing. Allele origin: germline.
Comment: This variant is classified as likely benign based on ACMG/AMP sequence variant interpretation guidelines (Richards et al. 2015 PMID: 25741868, with internal and published modifications).

GeneDx
Classification: Uncertain significance. Last evaluated: 2024-09-04. Review status: criteria provided, single submitter. Criteria: GeneDx Variant Classification Process June 2021. Collection method: clinical testing. Allele origin: germline. Affected: yes.
Comment: In silico analysis supports that this missense variant has a deleterious effect on protein structure/function; Has not been previously published as pathogenic or benign to our knowledge

NM_001379081.2(FREM1):c.1520G>A (p.Arg507His)

Gene: FREM1 (FRAS1 related extracellular matrix 1; minus strand). Cytogenetic location: 9p22.3.
Variant type: single nucleotide variant.
Coding change: c.1520G>A on transcript NM_001379081.2 (MANE Select); coding-DNA position 1520, G replaced by A.
Protein change: p.Arg507His; replaces arginine 507 with histidine.
Molecular consequence: missense variant. On other transcripts: non-coding transcript variant (2).
Genome position (GRCh38, 1-based): chr9:14,842,534, C>T on the plus strand (G>A on the coding strand, the complement: FREM1 is on the minus strand). VCF-style: chr9-14842534-C-T. GRCh37 (hg19) VCF-style: chr9-14842532-C-T.
Other names: c.1520G>A, p.Arg507His (NM_144966.7); c.1520G>A (NM_144966.5); short protein forms R507H.
Identifiers: ClinVar variation 1644090 (VCV001644090.10), dbSNP rs202115210, ClinGen allele CA4991209.
Genomic context (GRCh38, chr9:14,842,534, plus strand): 5'-TTGGTTATGAGGAACGGGGGACTATCATCTTTGGGCAAGACGTTGATGGGGAATTTGTGA[C>T]GGATGCTGTGATGGCCATCAAATATCCGGAAGACCACGAAGTCTTTGGTGGAGTCGCTGT-3'
Protein context (NP_001366010.1, residues 497-517): FRIFDGHHSI[Arg507His]HKFPINVLPK